The following is an entry in ClinVar:

ClinVar aggregate classification (germline): Uncertain significance (1 of 4 stars; one submission).

Conditions:
Autoimmune lymphoproliferative syndrome type 2A (ALPS2A). Also called: CASP10-Related Autoimmune Lymphoproliferative Syndrome; AUTOIMMUNE LYMPHOPROLIFERATIVE SYNDROME, TYPE IIA; Autoimmune lymphoproliferative syndrome type 2. Identifiers: Orphanet 3261, MedGen C1858968, MONDO:0011383, OMIM 603909.

Submission:

Labcorp Genetics (formerly Invitae), Labcorp
Classification: Uncertain significance for Autoimmune lymphoproliferative syndrome type 2A. Last evaluated: 2025-12-31. Review status: criteria provided, single submitter. Criteria: Invitae Variant Classification Sherloc (09022015). Collection method: clinical testing. Allele origin: germline.
Comment: This sequence change replaces serine, which is neutral and polar, with phenylalanine, which is neutral and non-polar, at codon 448 of the CASP10 protein (p.Ser448Phe). This variant is not present in population databases (gnomAD no frequency). This variant has not been reported in the literature in individuals affected with CASP10-related conditions. Invitae Evidence Modeling of protein sequence and biophysical properties (such as structural, functional, and spatial information, amino acid conservation, physicochemical variation, residue mobility, and thermodynamic stability) indicates that this missense variant is expected to disrupt CASP10 protein function with a positive predictive value of 80%. In summary, the available evidence is currently insufficient to determine the role of this variant in disease. Therefore, it has been classified as a Variant of Uncertain Significance.

NM_032977.4(CASP10):c.1343C>T (p.Ser448Phe)

Gene: CASP10 (caspase 10; plus strand). Cytogenetic location: 2q33.1.
Variant type: single nucleotide variant.
Coding change: c.1343C>T on transcript NM_032977.4 (MANE Select); coding-DNA position 1343, C replaced by T.
Protein change: p.Ser448Phe; replaces serine 448 with phenylalanine.
Molecular consequence: missense variant. On other transcripts: 3 prime UTR variant (1).
Genome position (GRCh38, 1-based): chr2:201,209,490, C>T. VCF-style: chr2-201209490-C-T. GRCh37 (hg19) VCF-style: chr2-202074213-C-T.
Other names: c.1142C>T, p.Ser381Phe (NM_001206524.2); c.1214C>T, p.Ser405Phe (NM_001206542.2, NM_001230.5); c.1343C>T, p.Ser448Phe (NM_032974.5); c.*429C>T (NM_032976.4); short protein forms S381F, S405F, S448F.
Identifiers: ClinVar variation 4782730 (VCV004782730.1).
Genomic context (GRCh38, chr2:201,209,490, plus strand): 5'-ACAGTATTCCTGCCGAGGCTGACTTCCTACTTGGTCTGGCCACTGTCCCAGGCTATGTAT[C>T]CTTTCGGCATGTGGAGGAAGGCAGCTGGTATATTCAGTCTCTGTGTAATCATCTGAAGAA-3'
Protein context (NP_116759.2, residues 438-458): LGLATVPGYV[Ser448Phe]FRHVEEGSWY